The following is an entry in ClinVar:

ClinVar aggregate classification (germline): Uncertain significance (1 of 4 stars; one submission).

Conditions:
Holoprosencephaly 9 (HPE9). Also called: PITUITARY ANOMALIES WITH HOLOPROSENCEPHALY-LIKE FEATURES; HOLOPROSENCEPHALY WITH MICROPHTHALMIA AND FIRST BRANCHIAL ARCH ANOMALIES. Identifiers: Orphanet 2162, MedGen C1835819, MONDO:0012563, OMIM 610829.
Postaxial polydactyly-anterior pituitary anomalies-facial dysmorphism syndrome. Also called: Culler-Jones syndrome. Identifiers: Orphanet 420584, MedGen C4014479, MONDO:0014369, OMIM 615849.

Allele frequency attached by ClinVar (database versions not stated): gnomAD 0.00001; gnomAD exomes 0.00001; TOPMed 0.00002; ExAC 0.00003.
gnomAD v4.1: 16 of 1,613,860 alleles (0.00099%); highest among the groups gnomAD compares: Admixed American, 0.025%; no homozygotes.

Submission:

Labcorp Genetics (formerly Invitae), Labcorp
Classification: Uncertain significance for Postaxial polydactyly-anterior pituitary anomalies-facial dysmorphism syndrome; Holoprosencephaly 9. Last evaluated: 2024-05-02. Review status: criteria provided, single submitter. Criteria: Invitae Variant Classification Sherloc (09022015). Collection method: clinical testing. Allele origin: germline.
Comment: This sequence change replaces leucine, which is neutral and non-polar, with arginine, which is basic and polar, at codon 341 of the GLI2 protein (p.Leu341Arg). This variant is present in population databases (no rsID available, gnomAD 0.03%). This variant has not been reported in the literature in individuals affected with GLI2-related conditions. Advanced modeling of protein sequence and biophysical properties (such as structural, functional, and spatial information, amino acid conservation, physicochemical variation, residue mobility, and thermodynamic stability) performed at Invitae indicates that this missense variant is not expected to disrupt GLI2 protein function with a negative predictive value of 80%. In summary, the available evidence is currently insufficient to determine the role of this variant in disease. Therefore, it has been classified as a Variant of Uncertain Significance.

NM_001374353.1(GLI2):c.1022T>G (p.Leu341Arg)

Gene: GLI2 (GLI family zinc finger 2; plus strand). Cytogenetic location: 2q14.2.
Variant type: single nucleotide variant.
Coding change: c.1022T>G on transcript NM_001374353.1 (MANE Select); coding-DNA position 1022, T replaced by G.
Protein change: p.Leu341Arg; replaces leucine 341 with arginine.
Molecular consequence: missense variant.
Genome position (GRCh38, 1-based): chr2:120,970,569, T>G. VCF-style: chr2-120970569-T-G. GRCh37 (hg19) VCF-style: chr2-121728145-T-G.
Other names: c.1022T>G, p.Leu341Arg (NM_001371271.1, NM_005270.5); c.647T>G, p.Leu216Arg (NM_001374354.1); short protein forms L216R, L341R.
Identifiers: ClinVar variation 2923338 (VCV002923338.3), dbSNP rs1186006851, ClinGen allele CA1851734.